The following is an entry in ClinVar:

NM_020738.4(KIDINS220):c.2804G>A (p.Ser935Asn)

Gene: KIDINS220 (kinase D interacting substrate 220; minus strand). Cytogenetic location: 2p25.1.
Variant type: single nucleotide variant.
Coding change: c.2804G>A on transcript NM_020738.4 (MANE Select); coding-DNA position 2804, G replaced by A.
Protein change: p.Ser935Asn; replaces serine 935 with asparagine.
Molecular consequence: missense variant. On other transcripts: non-coding transcript variant (2).
Genome position (GRCh38, 1-based): chr2:8,776,792, C>T on the plus strand (G>A on the coding strand, the complement: KIDINS220 is on the minus strand). VCF-style: chr2-8776792-C-T. GRCh37 (hg19) VCF-style: chr2-8916922-C-T.
Other names: c.2804G>A (NM_020738.2); c.2807G>A, p.Ser936Asn (NM_001348729.2, NM_001348731.2, NM_001348734.2 and 3 more transcripts); c.2804G>A, p.Ser935Asn (NM_001348732.2, NM_001348735.2, NM_001348738.2 and 3 more transcripts); c.2678G>A, p.Ser893Asn (NM_001348736.2); short protein forms S935N, S893N, S936N.
Identifiers: ClinVar variation 1934077 (VCV001934077.9), dbSNP rs771469722, ClinGen allele CA1519875.

ClinVar aggregate classification (germline): Uncertain significance. Review status: criteria provided, multiple submitters, no conflicts (2 of 4 stars). 3 submissions from 3 submitters: Uncertain significance (2). 1 of the submissions does not count toward it. Last evaluated 2024-09-11.

Conditions:
KIDINS220-related disorder. Also called: KIDINS220-related condition.
Inborn genetic diseases. Identifiers: MedGen C0950123, MeSH D030342.

Allele frequency attached by ClinVar (database versions not stated): ExAC 0.00002; gnomAD 0.00002; TOPMed 0.00002; gnomAD exomes 0.00003.
gnomAD v4.1: 48 of 1,613,898 alleles (0.003%); highest among the groups gnomAD compares: Non-Finnish European, 0.004%; no homozygotes.

Submissions (3):

Labcorp Genetics (formerly Invitae), Labcorp
Classification: Uncertain significance. Last evaluated: 2024-09-11. Review status: criteria provided, single submitter. Criteria: Invitae Variant Classification Sherloc (09022015). Collection method: clinical testing. Allele origin: germline.
Comment: This sequence change replaces serine, which is neutral and polar, with asparagine, which is neutral and polar, at codon 935 of the KIDINS220 protein (p.Ser935Asn). This variant is present in population databases (rs771469722, gnomAD 0.007%). This variant has not been reported in the literature in individuals affected with KIDINS220-related conditions. ClinVar contains an entry for this variant (Variation ID: 1934077). An algorithm developed to predict the effect of missense changes on protein structure and function (PolyPhen-2) suggests that this variant is likely to be disruptive. In summary, the available evidence is currently insufficient to determine the role of this variant in disease. Therefore, it has been classified as a Variant of Uncertain Significance.

Ambry Genetics
Classification: Uncertain significance for Inborn genetic diseases. Last evaluated: 2023-04-19. Review status: criteria provided, single submitter. Criteria: Ambry Variant Classification Scheme 2023. Collection method: clinical testing. Allele origin: germline.

PreventionGenetics, part of Exact Sciences
Classification: Uncertain significance for KIDINS220-related condition. Last evaluated: 2024-08-15. Review status: no assertion criteria provided. Collection method: clinical testing. Allele origin: germline. Not counted in ClinVar's aggregate classification.
Comment: The KIDINS220 c.2804G>A variant is predicted to result in the amino acid substitution p.Ser935Asn. To our knowledge, this variant has not been reported in the literature. This variant is reported in 0.0065% of alleles in individuals of African descent in gnomAD. At this time, the clinical significance of this variant is uncertain due to the absence of conclusive functional and genetic evidence.